The following is an entry in ClinVar:

NM_206538.4(EMC10):c.679-267dup

Gene: EMC10 (ER membrane protein complex subunit 10; plus strand). Cytogenetic location: 19q13.33.
Variant type: Duplication.
Coding change: c.679-267dup on transcript NM_206538.4 (MANE Select); 267 bases into the intron before coding-DNA position 679, one base duplicated (G; older notation c.679-267dupG).
Molecular consequence: intron variant. On other transcripts: frameshift variant (1).
Genome position (GRCh38, 1-based): chr19:50,481,882, G duplicated; the last of 8 consecutive G bases (chr19:50,481,875-50,481,882); duplicating any one gives the same sequence. VCF-style (leftmost placement, unchanged base first): chr19-50481874-T-TG. GRCh37 (hg19) VCF-style: chr19-50985131-T-TG.
Other names: c.700dupG (NM_175063.6); c.700dup, p.Ala234fs (NM_175063.6); short protein forms A234fs.
Identifiers: ClinVar variation 3042395 (VCV003042395.3), dbSNP rs200206091, ClinGen allele CA9599182.

ClinVar aggregate classification (germline): Benign. Review status: criteria provided, single submitter (1 of 4 stars). 2 submissions from 2 submitters: Benign (1). 1 of the submissions does not count toward it. Last evaluated 2023-06-06.

Conditions:
EMC10-related disorder. Also called: EMC10-related condition.
Neurodevelopmental disorder with dysmorphic facies and variable seizures (NEDDFAS). Also called: EMC10-Related Neurodevelopmental Disorder. Identifiers: MedGen C5543268, MONDO:0031011, OMIM 619264.

Submissions (2):

Molecular Genetics, Royal Melbourne Hospital
Classification: Benign for Neurodevelopmental disorder with dysmorphic facies and variable seizures. Last evaluated: 2023-06-06. Review status: criteria provided, single submitter. Criteria: ACMG Guidelines, 2015. Collection method: clinical testing. Allele origin: germline.

PreventionGenetics, part of Exact Sciences
Classification: Likely benign for EMC10-related condition. Last evaluated: 2021-11-02. Review status: no assertion criteria provided. Collection method: clinical testing. Allele origin: germline. Not counted in ClinVar's aggregate classification.
Comment: This variant is classified as likely benign based on ACMG/AMP sequence variant interpretation guidelines (Richards et al. 2015 PMID: 25741868, with internal and published modifications).